The following is an entry in ClinVar:

ClinVar aggregate classification (germline): Uncertain significance (1 of 4 stars; one submission).

Conditions:
Rhabdoid tumor predisposition syndrome 2 (RTPS2). Identifiers: Orphanet 231108, Orphanet 69077, MedGen C2750074, MONDO:0013224, OMIM 613325.

Submission:

Labcorp Genetics (formerly Invitae), Labcorp
Classification: Uncertain significance for Rhabdoid tumor predisposition syndrome 2. Last evaluated: 2025-05-27. Review status: criteria provided, single submitter. Criteria: Invitae Variant Classification Sherloc (09022015). Collection method: clinical testing. Allele origin: germline.
Comment: This sequence change replaces asparagine, which is neutral and polar, with serine, which is neutral and polar, at codon 1197 of the SMARCA4 protein (p.Asn1197Ser). This variant is not present in population databases (gnomAD no frequency). This variant has not been reported in the literature in individuals affected with SMARCA4-related conditions. Invitae Evidence Modeling of protein sequence and biophysical properties (such as structural, functional, and spatial information, amino acid conservation, physicochemical variation, residue mobility, and thermodynamic stability) has been performed for this missense variant. However, the output from this modeling did not meet the statistical confidence thresholds required to predict the impact of this variant on SMARCA4 protein function. In summary, the available evidence is currently insufficient to determine the role of this variant in disease. Therefore, it has been classified as a Variant of Uncertain Significance.

NM_003072.5(SMARCA4):c.3590A>G (p.Asn1197Ser)

Gene: SMARCA4 (SWI/SNF related BAF chromatin remodeling complex subunit ATPase 4; plus strand). Cytogenetic location: 19p13.2.
Variant type: single nucleotide variant.
Coding change: c.3590A>G on transcript NM_003072.5 (MANE Select); coding-DNA position 3590, A replaced by G.
Protein change: p.Asn1197Ser; replaces asparagine 1197 with serine.
Molecular consequence: missense variant. On other transcripts: non-coding transcript variant (1).
Genome position (GRCh38, 1-based): chr19:11,033,333, A>G. VCF-style: chr19-11033333-A-G. GRCh37 (hg19) VCF-style: chr19-11144009-A-G.
Other names: c.3590A>G, p.Asn1197Ser (NM_001128844.3, NM_001128845.2, NM_001128846.2 and 6 more transcripts); short protein forms N1197S.
Identifiers: ClinVar variation 4802578 (VCV004802578.1).